The following is an entry in ClinVar:

ClinVar aggregate classification (germline): Uncertain significance. Review status: criteria provided, multiple submitters, no conflicts (2 of 4 stars). 2 submissions from 2 submitters: Uncertain significance (2). Last evaluated 2026-06-15.

Conditions:
Cardiovascular phenotype. Identifiers: MedGen CN230736.

gnomAD v4.1: 4 of 1,614,200 alleles (0.00025%); highest among the groups gnomAD compares: Non-Finnish European, 0.00025%; no homozygotes.

Submissions (2):

Ambry Genetics
Classification: Uncertain significance for Cardiovascular phenotype. Last evaluated: 2026-06-15. Review status: criteria provided, single submitter. Criteria: Ambry Variant Classification Scheme 2023. Collection method: clinical testing. Allele origin: germline.
Comment: The p.E1831D variant (also known as c.5493G>T), located in coding exon 14 of the ALPK3 gene, results from a G to T substitution at nucleotide position 5493. The glutamic acid at codon 1831 is replaced by aspartic acid, an amino acid with highly similar properties. This amino acid position is conserved. In addition, this alteration is predicted to be tolerated by in silico analysis. Based on the available evidence, the clinical significance of this variant remains unclear.

Labcorp Genetics (formerly Invitae), Labcorp
Classification: Uncertain significance. Last evaluated: 2024-08-01. Review status: criteria provided, single submitter. Criteria: Invitae Variant Classification Sherloc (09022015). Collection method: clinical testing. Allele origin: germline.
Comment: This sequence change replaces glutamic acid, which is acidic and polar, with aspartic acid, which is acidic and polar, at codon 1831 of the ALPK3 protein (p.Glu1831Asp). This variant is not present in population databases (gnomAD no frequency). This variant has not been reported in the literature in individuals affected with ALPK3-related conditions. An algorithm developed to predict the effect of missense changes on protein structure and function (PolyPhen-2) suggests that this variant is likely to be disruptive. In summary, the available evidence is currently insufficient to determine the role of this variant in disease. Therefore, it has been classified as a Variant of Uncertain Significance.

NM_020778.5(ALPK3):c.4887G>T (p.Glu1629Asp)

Gene: ALPK3 (alpha kinase 3; plus strand). Cytogenetic location: 15q25.3.
Variant type: single nucleotide variant.
Coding change: c.4887G>T on transcript NM_020778.5 (MANE Select); coding-DNA position 4887, G replaced by T.
Protein change: p.Glu1629Asp; replaces glutamic acid 1629 with aspartic acid.
Molecular consequence: missense variant.
Genome position (GRCh38, 1-based): chr15:84,868,225, G>T. VCF-style: chr15-84868225-G-T. GRCh37 (hg19) VCF-style: chr15-85411456-G-T.
Other names: c.5493G>T (NM_020778.4); short protein forms E1629D.
Identifiers: ClinVar variation 3680111 (VCV003680111.3).